The following is an entry in ClinVar:

NM_000540.3(RYR1):c.13707C>G (p.Phe4569Leu)

Gene: RYR1 (ryanodine receptor 1; plus strand). Cytogenetic location: 19q13.2.
Variant type: single nucleotide variant.
Coding change: c.13707C>G on transcript NM_000540.3 (MANE Select); coding-DNA position 13707, C replaced by G.
Protein change: p.Phe4569Leu; replaces phenylalanine 4569 with leucine.
Molecular consequence: missense variant.
Genome position (GRCh38, 1-based): chr19:38,570,654, C>G. VCF-style: chr19-38570654-C-G. GRCh37 (hg19) VCF-style: chr19-39061294-C-G.
Other names: c.13692C>G, p.Phe4564Leu (NM_001042723.2); short protein forms F4564L, F4569L.
Identifiers: ClinVar variation 4529614 (VCV004529614.1).

ClinVar aggregate classification (germline): Uncertain significance (1 of 4 stars; one submission).

Submission:

GeneDx
Classification: Uncertain significance. Last evaluated: 2025-05-15. Review status: criteria provided, single submitter. Criteria: GeneDx Variant Classification Process June 2021. Collection method: clinical testing. Allele origin: germline. Affected: yes.
Comment: Not observed at significant frequency in large population cohorts (gnomAD); In silico analysis supports that this missense variant has a deleterious effect on protein structure/function; Has not been previously published as pathogenic or benign to our knowledge